The following is an entry in ClinVar:

ClinVar aggregate classification (germline): Uncertain significance. Review status: criteria provided, multiple submitters, no conflicts (2 of 4 stars). 2 submissions from 2 submitters: Uncertain significance (2). Last evaluated 2025-03-06.

Allele frequency attached by ClinVar (database versions not stated): gnomAD exomes 0.00001; gnomAD 0.00009 and 0.00011; TOPMed 0.00012.
gnomAD v4.1: 25 of 1,164,042 alleles (0.0021%); highest among the groups gnomAD compares: African/African-American, 0.037%; no homozygotes.

Submissions (2):

Ambry Genetics
Classification: Uncertain significance. Last evaluated: 2025-03-06. Review status: criteria provided, single submitter. Criteria: Ambry Variant Classification Scheme 2023. Collection method: clinical testing. Allele origin: germline.

Labcorp Genetics (formerly Invitae), Labcorp
Classification: Uncertain significance. Last evaluated: 2023-07-10. Review status: criteria provided, single submitter. Criteria: Invitae Variant Classification Sherloc (09022015). Collection method: clinical testing. Allele origin: germline.
Comment: This sequence change replaces alanine, which is neutral and non-polar, with threonine, which is neutral and polar, at codon 20 of the ATOH7 protein (p.Ala20Thr). This variant is present in population databases (no rsID available, gnomAD 0.04%). This variant has not been reported in the literature in individuals affected with ATOH7-related conditions. ClinVar contains an entry for this variant (Variation ID: 1496341). An algorithm developed to predict the effect of missense changes on protein structure and function (PolyPhen-2) suggests that this variant¬†is likely to be tolerated. In summary, the available evidence is currently insufficient to determine the role of this variant in disease. Therefore, it has been classified as a Variant of Uncertain Significance.

NM_145178.4(ATOH7):c.58G>A (p.Ala20Thr)

Genes: ATOH7 (atonal bHLH transcription factor 7; minus strand), LOC130003943 (ATAC-STARR-seq lymphoblastoid silent region 2418; plus strand). Cytogenetic location: 10q21.3.
Variant type: single nucleotide variant.
Coding change: c.58G>A on transcript NM_145178.4 (MANE Select); coding-DNA position 58, G replaced by A.
Protein change: p.Ala20Thr; replaces alanine 20 with threonine.
Molecular consequence: missense variant.
Genome position (GRCh38, 1-based): chr10:68,231,620, C>T on the plus strand (G>A on the coding strand, the complement: ATOH7 is on the minus strand). VCF-style: chr10-68231620-C-T. GRCh37 (hg19) VCF-style: chr10-69991377-C-T.
Other names: c.58G>A (NM_145178.2); short protein forms A20T.
Identifiers: ClinVar variation 1496341 (VCV001496341.5), dbSNP rs1055092695, ClinGen allele CA208210038.
Genomic context (GRCh38, chr10:68,231,620, plus strand): 5'-GCGCCGCGCTCTCCAGCCGCCCGGCCCCGGCGCACGTGCCCGCGCACTCGGTGCCGCCCG[C>T]GCACGGGGGTGCAACGCGCGCTCCCGCCGGCGGGCCGCTGGGCTTGCAGGACTTCATCCC-3'
Protein context (NP_660161.1, residues 10-30): PAGARVAPPC[Ala20Thr]GGTECAGTCA